The following is an entry in ClinVar:

ClinVar aggregate classification (germline): Conflicting classifications of pathogenicity. Review status: criteria provided, conflicting classifications (1 of 4 stars). 2 submissions from 2 submitters: Uncertain significance (1); Likely benign (1). Last evaluated 2025-07-28.

Allele frequency attached by ClinVar (database versions not stated): gnomAD exomes 0.00001; TOPMed 0.00002; gnomAD 0.00003.
gnomAD v4.1: 22 of 1,613,710 alleles (0.0014%); highest among the groups gnomAD compares: Non-Finnish European, 0.0019%; no homozygotes.

Submissions (2):

Labcorp Genetics (formerly Invitae), Labcorp
Classification: Uncertain significance. Last evaluated: 2025-07-28. Review status: criteria provided, single submitter. Criteria: Invitae Variant Classification Sherloc (09022015). Collection method: clinical testing. Allele origin: germline.
Comment: This sequence change replaces glycine, which is neutral and non-polar, with serine, which is neutral and polar, at codon 39 of the ACVR1 protein (p.Gly39Ser). This variant is present in population databases (no rsID available, gnomAD 0.007%). This variant has not been reported in the literature in individuals affected with ACVR1-related conditions. ClinVar contains an entry for this variant (Variation ID: 2651445). An algorithm developed to predict the effect of missense changes on protein structure and function (PolyPhen-2) suggests that this variant is likely to be disruptive. In summary, the available evidence is currently insufficient to determine the role of this variant in disease. Therefore, it has been classified as a Variant of Uncertain Significance.

CeGaT Center for Human Genetics Tuebingen
Classification: Likely benign. Last evaluated: 2023-02-01. Review status: criteria provided, single submitter. Criteria: CeGaT Center For Human Genetics Tuebingen Variant Classification Criteria Version 2. Collection method: clinical testing. Allele origin: germline. Affected: yes. Observed: 1 variant allele.
Comment: ACVR1: BS1

NM_001111067.4(ACVR1):c.115G>A (p.Gly39Ser)

Gene: ACVR1 (activin A receptor type 1; minus strand). Cytogenetic location: 2q24.1.
Variant type: single nucleotide variant.
Coding change: c.115G>A on transcript NM_001111067.4 (MANE Select); coding-DNA position 115, G replaced by A.
Protein change: p.Gly39Ser; replaces glycine 39 with serine.
Molecular consequence: missense variant.
Genome position (GRCh38, 1-based): chr2:157,780,553, C>T on the plus strand (G>A on the coding strand, the complement: ACVR1 is on the minus strand). VCF-style: chr2-157780553-C-T. GRCh37 (hg19) VCF-style: chr2-158637065-C-T.
Other names: c.115G>A, p.Gly39Ser (NM_001105.5, NM_001347663.1, NM_001347664.1 and 3 more transcripts); short protein forms G39S.
Identifiers: ClinVar variation 2651445 (VCV002651445.27), dbSNP rs983884500, ClinGen allele CA59281066.